The following is an entry in ClinVar:

NM_001007537.3(C1QTNF9B):c.204G>T (p.Gly68=)

Gene: C1QTNF9B (C1q and TNF related 9B; minus strand). Cytogenetic location: 13q12.12.
Variant type: single nucleotide variant.
Coding change: c.204G>T on transcript NM_001007537.3 (MANE Select); coding-DNA position 204, G replaced by T.
Protein change: p.Gly68=; no amino-acid change (glycine 68 retained).
Molecular consequence: synonymous variant. On other transcripts: non-coding transcript variant (1).
Genome position (GRCh38, 1-based): chr13:23,894,164, C>A on the plus strand (G>T on the coding strand, the complement: C1QTNF9B is on the minus strand). VCF-style: chr13-23894164-C-A. GRCh37 (hg19) VCF-style: chr13-24468303-C-A.
Identifiers: ClinVar variation 2643682 (VCV002643682.24), dbSNP rs200598461, ClinGen allele CA6913676.

ClinVar aggregate classification (germline): Likely benign (1 of 4 stars; one submission).

Allele frequency attached by ClinVar (database versions not stated): gnomAD exomes 0.00004; TOPMed 0.00004; ExAC 0.00005; ESP Exome Variant Server 0.00008.
gnomAD v4.1: 70 of 1,539,674 alleles (0.0045%); highest among the groups gnomAD compares: Non-Finnish European, 0.0054%; 7 homozygotes.

Submission:

CeGaT Center for Human Genetics Tuebingen
Classification: Likely benign. Last evaluated: 2022-06-01. Review status: criteria provided, single submitter. Criteria: CeGaT Center For Human Genetics Tuebingen Variant Classification Criteria Version 2. Collection method: clinical testing. Allele origin: germline. Affected: yes. Observed: 1 variant allele.
Comment: C1QTNF9B: BP4, BP7